The following is an entry in ClinVar:

NM_031206.7(LAS1L):c.1033G>C (p.Glu345Gln)

Gene: LAS1L (LAS1 like ribosome biogenesis factor; minus strand). Cytogenetic location: Xq12.
Variant type: single nucleotide variant.
Coding change: c.1033G>C on transcript NM_031206.7 (MANE Select); coding-DNA position 1033, G replaced by C.
Protein change: p.Glu345Gln; replaces glutamic acid 345 with glutamine.
Molecular consequence: missense variant. On other transcripts: non-coding transcript variant (3).
Genome position (GRCh38, 1-based): chrX:65,524,974, C>G on the plus strand (G>C on the coding strand, the complement: LAS1L is on the minus strand). VCF-style: chrX-65524974-C-G. GRCh37 (hg19) VCF-style: chrX-64744854-C-G.
Other names: c.1033G>C, p.Glu345Gln (NM_001170649.2, NM_001375328.1, NM_001375329.1 and 10 more transcripts); c.907G>C, p.Glu303Gln (NM_001170650.2); c.127G>C, p.Glu43Gln (NM_001375332.1); short protein forms E43Q, E303Q, E345Q.
Identifiers: ClinVar variation 4996902 (VCV004996902.1).

ClinVar aggregate classification (germline): Uncertain significance (1 of 4 stars; one submission).

Conditions:
LAS1L-related disorder. Also called: LAS1L-related condition.

Submission:

PreventionGenetics, part of Exact Sciences
Classification: Uncertain significance for LAS1L-related condition. Last evaluated: 2025-01-07. Review status: criteria provided, single submitter. Criteria: ACMG Guidelines, 2015. Collection method: clinical testing. Allele origin: germline.
Comment: The LAS1L c.1033G>C variant is predicted to result in the amino acid substitution p.Glu345Gln. To our knowledge, this variant has not been reported in the literature or in a large population database (gnomAD), indicating this variant is rare. At this time, the clinical significance of this variant is uncertain due to the absence of conclusive functional and genetic evidence.